The following is an entry in ClinVar:

NM_182931.3(KMT2E):c.2445C>T (p.Cys815=)

Gene: KMT2E (lysine methyltransferase 2E (inactive); plus strand). Cytogenetic location: 7q22.3.
Variant type: single nucleotide variant.
Coding change: c.2445C>T on transcript NM_182931.3 (MANE Select); coding-DNA position 2445, C replaced by T.
Protein change: p.Cys815=; no amino-acid change (cysteine 815 retained).
Molecular consequence: synonymous variant.
Genome position (GRCh38, 1-based): chr7:105,105,687, C>T. VCF-style: chr7-105105687-C-T. GRCh37 (hg19) VCF-style: chr7-104746134-C-T.
Other names: c.2445C>T, p.Cys815= (NM_001410908.1, NM_018682.4).
Identifiers: ClinVar variation 2880590 (VCV002880590.3), dbSNP rs1798869744, ClinGen allele CA457045513.

ClinVar aggregate classification (germline): Uncertain significance (1 of 4 stars; one submission).

Allele frequency attached by ClinVar (database versions not stated): gnomAD exomes below 0.00001; TOPMed below 0.00001; gnomAD 0.00001.
gnomAD v4.1: 7 of 1,596,360 alleles (0.00044%); highest among the groups gnomAD compares: African/African-American, 0.0014%; no homozygotes.

Submission:

Labcorp Genetics (formerly Invitae), Labcorp
Classification: Uncertain significance. Last evaluated: 2024-04-16. Review status: criteria provided, single submitter. Criteria: Invitae Variant Classification Sherloc (09022015). Collection method: clinical testing. Allele origin: germline.
Comment: This sequence change affects codon 815 of the KMT2E mRNA. It is a 'silent' change, meaning that it does not change the encoded amino acid sequence of the KMT2E protein. This variant is not present in population databases (gnomAD no frequency). This variant has not been reported in the literature in individuals affected with KMT2E-related conditions. Algorithms developed to predict the effect of sequence changes on RNA splicing suggest that this variant may create or strengthen a splice site. In summary, the available evidence is currently insufficient to determine the role of this variant in disease. Therefore, it has been classified as a Variant of Uncertain Significance.